The following is an entry in ClinVar:

NM_213649.2(SFXN4):c.415-14G>T

Gene: SFXN4 (sideroflexin 4; minus strand). Cytogenetic location: 10q26.11.
Variant type: single nucleotide variant.
Coding change: c.415-14G>T on transcript NM_213649.2 (MANE Select); 14 bases into the intron before coding-DNA position 415, G replaced by T.
Molecular consequence: intron variant.
Genome position (GRCh38, 1-based): chr10:119,157,941, C>A on the plus strand (G>T on the coding strand, the complement: SFXN4 is on the minus strand). VCF-style: chr10-119157941-C-A. GRCh37 (hg19) VCF-style: chr10-120917453-C-A.
Identifiers: ClinVar variation 389410 (VCV000389410.1), dbSNP rs774589560, ClinGen allele CA16605817.
Genomic context (GRCh38, chr10:119,157,941, plus strand): 5'-TTTCCATTGATGCTGTTGAACGCTGCCATGTAGGCACAGAGGAAAACCTGCCGAGAGGGG[C>A]AAATGGATCGCATTTTCGTTTCAAGCATAACAGAATTTAGTAATCGTGAAACAGGAAGAA-3'

ClinVar aggregate classification (germline): Likely benign (1 of 4 stars; one submission).

gnomAD v4.1: 14 of 1,614,184 alleles (0.00087%); highest among the groups gnomAD compares: Non-Finnish European, 0.0012%; no homozygotes.

Submission:

GeneDx
Classification: Likely benign. Last evaluated: 2016-10-04. Review status: criteria provided, single submitter. Criteria: GeneDx Variant Classification (06012015). Collection method: clinical testing. Allele origin: germline. Affected: yes.
Comment: This variant is considered likely benign or benign based on one or more of the following criteria: it is a conservative change, it occurs at a poorly conserved position in the protein, it is predicted to be benign by multiple in silico algorithms, and/or has population frequency not consistent with disease.